The following is an entry in ClinVar:

ClinVar aggregate classification (germline): Likely pathogenic (1 of 4 stars; one submission).

Conditions:
Cerebellar ataxia, intellectual disability, and dysequilibrium syndrome 3 (SCAR34). Also called: CEREBELLAR ATAXIA AND MENTAL RETARDATION WITH OR WITHOUT QUADRUPEDAL LOCOMOTION 3; SPINOCEREBELLAR ATAXIA, AUTOSOMAL RECESSIVE 34. Identifiers: Orphanet 1766, MedGen C2750509, MONDO:0013188, OMIM 613227.

Submission:

Centre for Mendelian Genomics, University Medical Centre Ljubljana
Classification: Likely pathogenic for Cerebellar ataxia, intellectual disability, and dysequilibrium syndrome 3. Last evaluated: 2016-01-01. Review status: criteria provided, single submitter. Criteria: ACMG Guidelines, 2015. Collection method: clinical testing. Allele origin: unknown. Affected: yes.
Comment: This variant was classified as: Likely pathogenic. The following ACMG criteria were applied in classifying this variant: PVS1,PM2. This variant was detected in homozygous state.

NM_004056.6(CA8):c.730dup (p.Gln244fs)

Gene: CA8 (carbonic anhydrase 8; minus strand). Cytogenetic location: 8q12.1.
Variant type: Duplication.
Coding change: c.730dup on transcript NM_004056.6 (MANE Select); coding-DNA position 730, one base duplicated (C; older notation c.730dupC).
Protein change: p.Gln244fs; shifts the reading frame from glutamine 244.
Molecular consequence: frameshift variant. On other transcripts: non-coding transcript variant (1).
Genome position (GRCh38, 1-based): chr8:60,222,657, G duplicated on the plus strand (C on the coding strand, the reverse complement: CA8 is on the minus strand); the first of 3 consecutive G bases (chr8:60,222,657-60,222,659); duplicating any one gives the same sequence. VCF-style (leftmost placement, unchanged base first): chr8-60222656-T-TG. GRCh37 (hg19) VCF-style: chr8-61135215-T-TG.
Other names: c.730dup, p.Gln244fs (NM_001321837.2, NM_001321838.2); c.634dup, p.Gln212fs (NM_001321839.2); short protein forms Q212fs, Q244fs.
Identifiers: ClinVar variation 931983 (VCV000931983.3), dbSNP rs1807291595, ClinGen allele CA1139660581.